The following is an entry in ClinVar:

NM_052854.4(CREB3L1):c.1388C>T (p.Pro463Leu)

Gene: CREB3L1 (cAMP responsive element binding protein 3 like 1; plus strand). Cytogenetic location: 11p11.2.
Variant type: single nucleotide variant.
Coding change: c.1388C>T on transcript NM_052854.4 (MANE Select); coding-DNA position 1388, C replaced by T.
Protein change: p.Pro463Leu; replaces proline 463 with leucine.
Molecular consequence: missense variant.
Genome position (GRCh38, 1-based): chr11:46,320,393, C>T. VCF-style: chr11-46320393-C-T. GRCh37 (hg19) VCF-style: chr11-46341944-C-T.
Other names: c.1388C>T (NM_052854.2); short protein forms P463L.
Identifiers: ClinVar variation 2172786 (VCV002172786.4), dbSNP rs774283491, ClinGen allele CA5961874.

ClinVar aggregate classification (germline): Uncertain significance. Review status: criteria provided, multiple submitters, no conflicts (2 of 4 stars). 3 submissions from 3 submitters: Uncertain significance (3). Last evaluated 2024-08-29.

Conditions:
Inborn genetic diseases. Identifiers: MedGen C0950123, MeSH D030342.

Allele frequency attached by ClinVar (database versions not stated): gnomAD 0.00003; gnomAD exomes 0.00004; TOPMed 0.00008; ExAC 0.00013.
gnomAD v4.1: 68 of 1,610,928 alleles (0.0042%); highest among the groups gnomAD compares: Middle Eastern, 0.033%; no homozygotes.

Submissions (3):

Labcorp Genetics (formerly Invitae), Labcorp
Classification: Uncertain significance. Last evaluated: 2024-08-29. Review status: criteria provided, single submitter. Criteria: Invitae Variant Classification Sherloc (09022015). Collection method: clinical testing. Allele origin: germline.
Comment: This sequence change replaces proline, which is neutral and non-polar, with leucine, which is neutral and non-polar, at codon 463 of the CREB3L1 protein (p.Pro463Leu). This variant is present in population databases (rs774283491, gnomAD 0.01%). This variant has not been reported in the literature in individuals affected with CREB3L1-related conditions. ClinVar contains an entry for this variant (Variation ID: 2172786). An algorithm developed to predict the effect of missense changes on protein structure and function (PolyPhen-2) suggests that this variant¬†is likely to be tolerated. In summary, the available evidence is currently insufficient to determine the role of this variant in disease. Therefore, it has been classified as a Variant of Uncertain Significance.

Blueprint Genetics
Classification: Uncertain significance. Last evaluated: 2023-10-03. Review status: criteria provided, single submitter. Criteria: ACMG Guidelines, 2015. Collection method: clinical testing. Allele origin: germline.

Ambry Genetics
Classification: Uncertain significance for Inborn genetic diseases. Last evaluated: 2022-04-29. Review status: criteria provided, single submitter. Criteria: Ambry Variant Classification Scheme 2023. Collection method: clinical testing. Allele origin: germline.